The following is an entry in ClinVar:

ClinVar aggregate classification (germline): Uncertain significance (1 of 4 stars; one submission).

Allele frequency attached by ClinVar (database versions not stated): gnomAD exomes 0.00002; TOPMed 0.00002; gnomAD 0.00001; ExAC 0.00002.
gnomAD v4.1: 26 of 1,612,672 alleles (0.0016%); highest among the groups gnomAD compares: Admixed American, 0.0067%; no homozygotes.

Submission:

Labcorp Genetics (formerly Invitae), Labcorp
Classification: Uncertain significance. Last evaluated: 2023-07-31. Review status: criteria provided, single submitter. Criteria: Invitae Variant Classification Sherloc (09022015). Collection method: clinical testing. Allele origin: germline.
Comment: In summary, the available evidence is currently insufficient to determine the role of this variant in disease. Therefore, it has been classified as a Variant of Uncertain Significance. Advanced modeling of protein sequence and biophysical properties (such as structural, functional, and spatial information, amino acid conservation, physicochemical variation, residue mobility, and thermodynamic stability) performed at Invitae indicates that this missense variant is not expected to disrupt MYH7B protein function. This variant has not been reported in the literature in individuals affected with MYH7B-related conditions. This variant is present in population databases (rs776179958, gnomAD 0.003%). This sequence change replaces arginine, which is basic and polar, with histidine, which is basic and polar, at codon 772 of the MYH7B protein (p.Arg772His).

NM_020884.7(MYH7B):c.2189G>A (p.Arg730His)

Gene: MYH7B (myosin heavy chain 7B; plus strand). Cytogenetic location: 20q11.22.
Variant type: single nucleotide variant.
Coding change: c.2189G>A on transcript NM_020884.7 (MANE Select); coding-DNA position 2189, G replaced by A.
Protein change: p.Arg730His; replaces arginine 730 with histidine.
Molecular consequence: missense variant.
Genome position (GRCh38, 1-based): chr20:34,993,107, G>A. VCF-style: chr20-34993107-G-A. GRCh37 (hg19) VCF-style: chr20-33580910-G-A.
Other names: short protein forms R730H.
Identifiers: ClinVar variation 2904146 (VCV002904146.3), dbSNP rs776179958, ClinGen allele CA9827286.